The following is an entry in ClinVar:

ClinVar aggregate classification (germline): Likely benign. Review status: reviewed by expert panel (3 of 4 stars). 5 submissions from 5 submitters: Likely benign (1). 4 of the submissions do not count toward it. Last evaluated 2023-04-02.

Conditions:
Angelman syndrome-like. Identifiers: MedGen CN128785.
Developmental and epileptic encephalopathy, 2 (DEE2). Also called: INFANTILE SPASM SYNDROME, X-LINKED 2; CDKL5 deficiency disorder. Identifiers: Orphanet 1934, Orphanet 3451, Orphanet 505652, MedGen C4750718, MONDO:0010396, OMIM 300672.
CDKL5 disorder. Identifiers: MedGen CN296942, MONDO:0100039.
CDKL5-related disorder.

Allele frequency attached by ClinVar (database versions not stated): gnomAD exomes below 0.00001 and 0.00002; gnomAD 0.00001; ExAC 0.00004.
gnomAD v4.1: 3 of 1,208,197 alleles (0.00025%); highest among the groups gnomAD compares: Admixed American, 0.0066%; no homozygotes.

Submissions (5):

ClinGen Rett and Angelman-like Disorders Variant Curation Expert Panel
Classification: Likely benign for CDKL5 disorder. Last evaluated: 2023-04-02. Review status: reviewed by expert panel. Criteria: ClinGen RettAS ACMG Specifications CDKL5 V3.0.0. Collection method: curation. Allele origin: germline. Inheritance: X-linked inheritance.
Comment: The allele frequency of the c.2152+10C>G (NM_001323289.2) variant in CDKL5 is 0.0143% in Latino/Admixed America sub population in gnomAD, which is high enough to meet the BS1 criteria based on thresholds defined by the ClinGen Rett/Angelman-like Expert Panel for Rett/AS-like conditions (BS1). The silent c.2152+10C>G (NM_001323289.2) variant is not predicted to affect splicing using multiple computational tools and does not affect a highly conserved nucleotide (BP7). In summary, the c.2152+10C>G (NM_001323289.2) variant in CDKL5 is classified as Likely Benign based on the ACMG/AMP criteria (BS1, BP7).

Labcorp Genetics (formerly Invitae), Labcorp
Classification: Benign for Developmental and epileptic encephalopathy, 2; Angelman syndrome-like. Last evaluated: 2025-07-14. Review status: criteria provided, single submitter. Criteria: Invitae Variant Classification Sherloc (09022015). Collection method: clinical testing. Allele origin: germline. Not counted in ClinVar's aggregate classification.

Eurofins Ntd Llc (ga)
Classification: Uncertain significance. Last evaluated: 2016-04-21. Review status: criteria provided, single submitter. Criteria: EGL Classification Definitions 2015. Collection method: clinical testing. Allele origin: germline. Observed: 1 variant allele, 1 hemizygote. Not counted in ClinVar's aggregate classification.

GeneDx
Classification: Likely benign. Last evaluated: 2015-12-03. Review status: criteria provided, single submitter. Criteria: GeneDx Variant Classification (06012015). Collection method: clinical testing. Allele origin: germline. Affected: yes. Not counted in ClinVar's aggregate classification.
Comment: This variant is considered likely benign or benign based on one or more of the following criteria: it is a conservative change, it occurs at a poorly conserved position in the protein, it is predicted to be benign by multiple in silico algorithms, and/or has population frequency not consistent with disease.

PreventionGenetics, part of Exact Sciences
Classification: Likely benign for CDKL5-related condition. Last evaluated: 2021-09-23. Review status: no assertion criteria provided. Collection method: clinical testing. Allele origin: germline. Not counted in ClinVar's aggregate classification.
Comment: This variant is classified as likely benign based on ACMG/AMP sequence variant interpretation guidelines (Richards et al. 2015 PMID: 25741868, with internal and published modifications).

NM_001323289.2(CDKL5):c.2152+10C>G

Gene: CDKL5 (cyclin dependent kinase like 5; plus strand). Cytogenetic location: Xp22.13.
Variant type: single nucleotide variant.
Coding change: c.2152+10C>G on transcript NM_001323289.2 (MANE Select); 10 bases into the intron after coding-DNA position 2152, C replaced by G.
Molecular consequence: intron variant.
Genome position (GRCh38, 1-based): chrX:18,609,580, C>G. VCF-style: chrX-18609580-C-G. GRCh37 (hg19) VCF-style: chrX-18627700-C-G.
Other names: c.2152+10C>G (NM_003159.3, NM_001037343.2).
Identifiers: ClinVar variation 287225 (VCV000287225.21), dbSNP rs763466606, ClinGen allele CA10360464.